The following is an entry in ClinVar:

NM_015030.2(FRYL):c.5723A>T (p.Tyr1908Phe)

Gene: FRYL (FRY like transcription coactivator; minus strand). Cytogenetic location: 4p11.
Variant type: single nucleotide variant.
Coding change: c.5723A>T on transcript NM_015030.2 (MANE Select); coding-DNA position 5723, A replaced by T.
Protein change: p.Tyr1908Phe; replaces tyrosine 1908 with phenylalanine.
Molecular consequence: missense variant.
Genome position (GRCh38, 1-based): chr4:48,540,925, T>A on the plus strand (A>T on the coding strand, the complement: FRYL is on the minus strand). VCF-style: chr4-48540925-T-A. GRCh37 (hg19) VCF-style: chr4-48542942-T-A.
Other names: short protein forms Y1908F.
Identifiers: ClinVar variation 5017475 (VCV005017475.1).
Genomic context (GRCh38, chr4:48,540,925, plus strand): 5'-CTACTATTAATGGGACTTGTGCTTAGATTGAGTTGTCCAGTGCTTTTCCTGTTAGCTGCA[T>A]ACTTGTTTCCCATTATAGGATCATGATATGAGGTTCTTAAAAAAAAGAAAGAATAGATGA-3'
Protein context (NP_055845.1, residues 1898-1918): SYHDPIMGNK[Tyr1908Phe]AANRKSTGQL

ClinVar aggregate classification (germline): Uncertain significance (1 of 4 stars; one submission).

Submission:

GeneDx
Classification: Uncertain significance. Last evaluated: 2026-03-28. Review status: criteria provided, single submitter. Criteria: GeneDx Variant Classification Process June 2021. Collection method: clinical testing. Allele origin: germline.
Comment: Not observed at significant frequency in large population cohorts (gnomAD); In silico analysis suggests that this missense variant does not alter protein structure/function; Has not been previously published as pathogenic or benign to our knowledge